The following is an entry in ClinVar:

ClinVar aggregate classification (germline): Pathogenic/Likely pathogenic. Review status: criteria provided, multiple submitters, no conflicts (2 of 4 stars). 5 submissions from 5 submitters: Pathogenic (1); Likely pathogenic (4). Last evaluated 2026-03-04.

Conditions:
TCTN2-related disorder. Also called: TCTN2-related disorders; TCTN2-related condition. Identifiers: MedGen CN239412.
Joubert syndrome 24 (JBTS24). Identifiers: Orphanet 475, MedGen C4084841, MONDO:0014724, OMIM 616654.
Meckel syndrome, type 8. Identifiers: Orphanet 564, MedGen C3836857, MONDO:0013482, OMIM 613885.
Joubert syndrome. Also called: Familial aplasia of the vermis; JOUBERT-BOLTSHAUSER SYNDROME. Identifiers: Orphanet 475, MedGen C5979921, MONDO:0018772.
Meckel-Gruber syndrome. Also called: Dysencephalia splachnocystica; DYSENCEPHALIA SPLANCHNOCYSTICA; GRUBER SYNDROME. Identifiers: Orphanet 564, MedGen C0265215, MONDO:0018921.

Allele frequency attached by ClinVar (database versions not stated): ExAC 0.00002; gnomAD exomes 0.00002 and 0.00006; TOPMed 0.00003; gnomAD 0.00005 and 0.00006; ESP Exome Variant Server 0.00015.
gnomAD v4.1: 95 of 1,613,926 alleles (0.0059%); highest among the groups gnomAD compares: Non-Finnish European, 0.0077%; no homozygotes.

Submissions (6):

GeneDx
Classification: Pathogenic. Last evaluated: 2026-03-04. Review status: criteria provided, single submitter. Criteria: GeneDx Variant Classification Process June 2021. Collection method: clinical testing. Allele origin: germline.
Comment: Canonical splice site variant predicted to result in a null allele in a gene for which loss of function is a known mechanism of disease; Not observed at significant frequency in large population cohorts (gnomAD); Has not been previously published as pathogenic or benign to our knowledge

Labcorp Genetics (formerly Invitae), Labcorp
Classification: Likely pathogenic for Joubert syndrome; Meckel-Gruber syndrome. Last evaluated: 2025-08-14. Review status: criteria provided, single submitter. Criteria: Invitae Variant Classification Sherloc (09022015). Collection method: clinical testing. Allele origin: germline.
Comment: This sequence change affects a donor splice site in intron 3 of the TCTN2 gene. It is expected to disrupt RNA splicing. Variants that disrupt the donor or acceptor splice site typically lead to a loss of protein function (PMID: 16199547), and loss-of-function variants in TCTN2 are known to be pathogenic (PMID: 21565611). This variant is present in population databases (rs141752910, gnomAD 0.004%). This variant has not been reported in the literature in individuals affected with TCTN2-related conditions. ClinVar contains an entry for this variant (Variation ID: 1500877). Algorithms developed to predict the effect of sequence changes on RNA splicing suggest that this variant may disrupt the consensus splice site. In summary, the currently available evidence indicates that the variant is pathogenic, but additional data are needed to prove that conclusively. Therefore, this variant has been classified as Likely Pathogenic.

PreventionGenetics, part of Exact Sciences
Classification: Likely pathogenic for TCTN2-related condition. Last evaluated: 2025-07-02. Review status: criteria provided, single submitter. Criteria: ACMG Guidelines, 2015. Collection method: clinical testing. Allele origin: germline.
Comment: The TCTN2 c.267+1G>A variant is predicted to disrupt the GT donor site and interfere with normal splicing. To our knowledge, this variant has not been reported in the literature. This variant is reported in 0.0039% of alleles in individuals of European (Non-Finnish) descent in gnomAD. Variants that disrupt the consensus splice donor site in TCTN2 are expected to be pathogenic. This variant is interpreted as likely pathogenic.

Fulgent Genetics
Classification: Likely pathogenic for Meckel syndrome, type 8; Joubert syndrome 24. Last evaluated: 2024-04-04. Review status: criteria provided, single submitter. Criteria: ACMG Guidelines, 2015. Collection method: clinical testing. Allele origin: germline.

Blueprint Genetics
Classification: Likely pathogenic for TCTN2-related disorders. Last evaluated: 2024-03-26. Review status: criteria provided, single submitter. Criteria: ACMG Guidelines, 2015. Collection method: clinical testing. Allele origin: germline. Affected: yes. Observed: 5 variant alleles.

Dr. Peter K. Rogan Lab, Western University
No classification provided (evidence only). Condition: Uveal melanoma. Review status: no classification provided. Collection method: in vitro. Allele origin: not applicable. Functional consequence: retained intron. Not counted in ClinVar's aggregate classification.

Literature cited by the submitters: PubMed 16199547 (cited by Labcorp Genetics (formerly Invitae), Labcorp); PubMed 21565611 (cited by Labcorp Genetics (formerly Invitae), Labcorp).

NM_024809.5(TCTN2):c.267+1G>A

Gene: TCTN2 (tectonic family member 2; plus strand). Cytogenetic location: 12q24.31.
Variant type: single nucleotide variant.
Coding change: c.267+1G>A on transcript NM_024809.5 (MANE Select); the canonical splice donor site of the intron after coding-DNA position 267, G replaced by A.
Molecular consequence: splice donor variant.
Genome position (GRCh38, 1-based): chr12:123,672,133, G>A. VCF-style: chr12-123672133-G-A. GRCh37 (hg19) VCF-style: chr12-124156680-G-A.
Other names: c.267+1G>A (NM_001410989.1, NM_001143850.3, NM_024809.4).
Identifiers: ClinVar variation 1500877 (VCV001500877.13), dbSNP rs141752910, ClinGen allele CA6860835.